The following is an entry in ClinVar:

ClinVar aggregate classification (germline): Uncertain significance (1 of 4 stars; one submission).

Allele frequency attached by ClinVar (database versions not stated): TOPMed below 0.00001; ExAC 0.00002.

Submission:

Labcorp Genetics (formerly Invitae), Labcorp
Classification: Uncertain significance. Last evaluated: 2024-03-14. Review status: criteria provided, single submitter. Criteria: Invitae Variant Classification Sherloc (09022015). Collection method: clinical testing. Allele origin: germline.
Comment: This sequence change falls in intron 17 of the FREM1 gene. It does not directly change the encoded amino acid sequence of the FREM1 protein. It affects a nucleotide within the consensus splice site. This variant is present in population databases (rs746445806, gnomAD 0.01%). This variant has not been reported in the literature in individuals affected with FREM1-related conditions. ClinVar contains an entry for this variant (Variation ID: 2189090). Variants that disrupt the consensus splice site are a relatively common cause of aberrant splicing (PMID: 17576681, 9536098). Algorithms developed to predict the effect of sequence changes on RNA splicing suggest that this variant may disrupt the consensus splice site. In summary, the available evidence is currently insufficient to determine the role of this variant in disease. Therefore, it has been classified as a Variant of Uncertain Significance.

Literature cited by the submitters: PubMed 17576681; PubMed 9536098.

NM_001379081.2(FREM1):c.2893+3A>C

Genes: FREM1 (FRAS1 related extracellular matrix 1; minus strand), LOC126860582 (P300/CBP strongly-dependent group 1 enhancer GRCh37_chr9:14812530-14813729; plus strand). Cytogenetic location: 9p22.3.
Variant type: single nucleotide variant.
Coding change: c.2893+3A>C on transcript NM_001379081.2 (MANE Select); 3 bases into the intron after coding-DNA position 2893, A replaced by C.
Molecular consequence: intron variant.
Genome position (GRCh38, 1-based): chr9:14,812,809, T>G on the plus strand (A>C on the coding strand, the complement: FREM1 is on the minus strand). VCF-style: chr9-14812809-T-G. GRCh37 (hg19) VCF-style: chr9-14812807-T-G.
Other names: c.2893+3A>C (NM_144966.7).
Identifiers: ClinVar variation 2189090 (VCV002189090.4), dbSNP rs746445806, ClinGen allele CA4990776.